The following is an entry in ClinVar:

ClinVar aggregate classification (germline): Uncertain significance (1 of 4 stars; one submission).

Conditions:
BAP1-related tumor predisposition syndrome (TPDS1). Also called: BAP1 tumor predisposition syndrome; Tumor susceptibility linked to germline BAP1 mutations; COMMON Syndrome; TUMOR PREDISPOSITION SYNDROME 1. Identifiers: Orphanet 289539, MedGen C3280492, MONDO:0013692, OMIM 614327.

Submission:

Labcorp Genetics (formerly Invitae), Labcorp
Classification: Uncertain significance for BAP1-related tumor predisposition syndrome. Last evaluated: 2026-01-10. Review status: criteria provided, single submitter. Criteria: Invitae Variant Classification Sherloc (09022015). Collection method: clinical testing. Allele origin: germline.
Comment: This sequence change replaces tyrosine, which is neutral and polar, with cysteine, which is neutral and slightly polar, at codon 44 of the BAP1 protein (p.Tyr44Cys). This variant is not present in population databases (gnomAD no frequency). This variant has not been reported in the literature in individuals affected with BAP1-related conditions. Invitae Evidence Modeling of protein sequence and biophysical properties (such as structural, functional, and spatial information, amino acid conservation, physicochemical variation, residue mobility, and thermodynamic stability) indicates that this missense variant is expected to disrupt BAP1 protein function with a positive predictive value of 80%. In summary, the available evidence is currently insufficient to determine the role of this variant in disease. Therefore, it has been classified as a Variant of Uncertain Significance.

NM_004656.4(BAP1):c.131A>G (p.Tyr44Cys)

Gene: BAP1 (BRCA1 associated deubiquitinase 1; minus strand). Cytogenetic location: 3p21.1.
Variant type: single nucleotide variant.
Coding change: c.131A>G on transcript NM_004656.4 (MANE Select); coding-DNA position 131, A replaced by G.
Protein change: p.Tyr44Cys; replaces tyrosine 44 with cysteine.
Molecular consequence: missense variant.
Genome position (GRCh38, 1-based): chr3:52,408,598, T>C on the plus strand (A>G on the coding strand, the complement: BAP1 is on the minus strand). VCF-style: chr3-52408598-T-C. GRCh37 (hg19) VCF-style: chr3-52442614-T-C.
Other names: c.131A>G, p.Tyr44Cys (NM_001410772.1); short protein forms Y44C.
Identifiers: ClinVar variation 4736995 (VCV004736995.1).
Genomic context (GRCh38, chr3:52,408,598, plus strand): 5'-GTAGAGACCTTTCGCCGGGACCGGCGCTCTTCGATCCATTTGAACAGGAAGATAAATCCA[T>C]ATACAGGGCTGGGGGAAGTAAGGGGCAGAGCCAGATCAGCCAAAGGGGAGAAGACAATCA-3'
Protein context (NP_004647.1, residues 34-54): DLQSKCQGPV[Tyr44Cys]GFIFLFKWIE